The following is an entry in ClinVar:

NM_000237.3(LPL):c.117T>G (p.Ser39Arg)

Gene: LPL (lipoprotein lipase; plus strand). Cytogenetic location: 8p21.3.
Variant type: single nucleotide variant.
Coding change: c.117T>G on transcript NM_000237.3 (MANE Select); coding-DNA position 117, T replaced by G.
Protein change: p.Ser39Arg; replaces serine 39 with arginine.
Molecular consequence: missense variant.
Genome position (GRCh38, 1-based): chr8:19,948,208, T>G. VCF-style: chr8-19948208-T-G. GRCh37 (hg19) VCF-style: chr8-19805719-T-G.
Other names: short protein forms S39R.
Identifiers: ClinVar variation 5023649 (VCV005023649.1).

ClinVar aggregate classification (germline): Uncertain significance (1 of 4 stars; one submission).

Conditions:
Cardiovascular phenotype. Identifiers: MedGen CN230736.

Submission:

Ambry Genetics
Classification: Uncertain significance for Cardiovascular phenotype. Last evaluated: 2026-09-13. Review status: criteria provided, single submitter. Criteria: Ambry Variant Classification Scheme 2023. Collection method: clinical testing. Allele origin: germline.
Comment: The p.S39R variant (also known as c.117T>G), located in coding exon 2 of the LPL gene, results from a T to G substitution at nucleotide position 117. The serine at codon 39 is replaced by arginine, an amino acid with dissimilar properties. This amino acid position is conserved. In addition, the in silico prediction for this alteration is inconclusive. Based on the available evidence, the clinical significance of this variant remains unclear.